The following is an entry in ClinVar:

ClinVar aggregate classification (germline): Uncertain significance. Review status: criteria provided, multiple submitters, no conflicts (2 of 4 stars). 2 submissions from 2 submitters: Uncertain significance (2). Last evaluated 2022-12-26.

Conditions:
Hereditary cancer-predisposing syndrome. Also called: Tumor predisposition; Neoplastic Syndromes, Hereditary; Hereditary neoplastic syndrome; Hereditary Cancer Syndrome. Identifiers: Orphanet 140162, MedGen C0027672, MeSH D009386, MONDO:0015356.

Allele frequency attached by ClinVar (database versions not stated): gnomAD exomes below 0.00001.
gnomAD v4.1: 1 of 1,614,168 alleles (0.000062%); highest among the groups gnomAD compares: Non-Finnish European, 0.000085%; no homozygotes.

Submissions (2):

Ambry Genetics
Classification: Uncertain significance for Hereditary cancer-predisposing syndrome. Last evaluated: 2022-12-26. Review status: criteria provided, single submitter. Criteria: Ambry Variant Classification Scheme 2023. Collection method: clinical testing. Allele origin: germline.
Comment: The p.A282V variant (also known as c.845C>T), located in coding exon 2 of the HOXB13 gene, results from a C to T substitution at nucleotide position 845. The alanine at codon 282 is replaced by valine, an amino acid with similar properties. This amino acid position is conserved. In addition, this alteration is predicted to be tolerated by in silico analysis. Since supporting evidence is limited at this time, the clinical significance of this alteration remains unclear.

Labcorp Genetics (formerly Invitae), Labcorp
Classification: Uncertain significance. Last evaluated: 2021-06-20. Review status: criteria provided, single submitter. Criteria: Invitae Variant Classification Sherloc (09022015). Collection method: clinical testing. Allele origin: germline.
Comment: This variant is not present in population databases (ExAC no frequency). In summary, the available evidence is currently insufficient to determine the role of this variant in disease. Therefore, it has been classified as a Variant of Uncertain Significance. Algorithms developed to predict the effect of missense changes on protein structure and function (SIFT, PolyPhen-2, Align-GVGD) all suggest that this variant is likely to be tolerated, but these predictions have not been confirmed by published functional studies and their clinical significance is uncertain. This variant has not been reported in the literature in individuals with HOXB13-related conditions. This sequence change replaces alanine with valine at codon 282 of the HOXB13 protein (p.Ala282Val). The alanine residue is weakly conserved and there is a small physicochemical difference between alanine and valine.

NM_006361.6(HOXB13):c.845C>T (p.Ala282Val)

Gene: HOXB13 (homeobox B13; minus strand). Cytogenetic location: 17q21.32.
Variant type: single nucleotide variant.
Coding change: c.845C>T on transcript NM_006361.6 (MANE Select); coding-DNA position 845, C replaced by T.
Protein change: p.Ala282Val; replaces alanine 282 with valine.
Molecular consequence: missense variant.
Genome position (GRCh38, 1-based): chr17:48,726,800, G>A on the plus strand (C>T on the coding strand, the complement: HOXB13 is on the minus strand). VCF-style: chr17-48726800-G-A. GRCh37 (hg19) VCF-style: chr17-46804162-G-A.
Other names: c.845C>T (NM_006361.5); short protein forms A282V.
Identifiers: ClinVar variation 1514664 (VCV001514664.9), dbSNP rs2143065098, ClinGen allele CA400105171.